The following is an entry in ClinVar:

ClinVar aggregate classification (germline): Uncertain significance. Review status: criteria provided, multiple submitters, no conflicts (2 of 4 stars). 2 submissions from 2 submitters: Uncertain significance (2). Last evaluated 2025-12-23.

Conditions:
Cardiovascular phenotype. Identifiers: MedGen CN230736.
MYH6-related disorder. Also called: MYH6-Related Disorders; MYH6-related condition.

Submissions (2):

PreventionGenetics, part of Exact Sciences
Classification: Uncertain significance for MYH6-related condition. Last evaluated: 2025-12-23. Review status: criteria provided, single submitter. Criteria: ACMG Guidelines, 2015. Collection method: clinical testing. Allele origin: germline.
Comment: The MYH6 c.427C>G variant is predicted to result in the amino acid substitution p.Arg143Gly. To our knowledge, this variant has not been reported in the literature. This variant is reported in 0.0039% of alleles in individuals of European (Non-Finnish) descent in gnomAD. At this time, the clinical significance of this variant is uncertain due to the absence of conclusive functional and genetic evidence.

Ambry Genetics
Classification: Uncertain significance for Cardiovascular phenotype. Last evaluated: 2023-05-26. Review status: criteria provided, single submitter. Criteria: Ambry Variant Classification Scheme 2023. Collection method: clinical testing. Allele origin: germline.
Comment: The p.R143G variant (also known as c.427C>G), located in coding exon 3 of the MYH6 gene, results from a C to G substitution at nucleotide position 427. The arginine at codon 143 is replaced by glycine, an amino acid with dissimilar properties. This amino acid position is highly conserved in available vertebrate species. In addition, this alteration is predicted to be deleterious by in silico analysis. Since supporting evidence is limited at this time, the clinical significance of this alteration remains unclear.

NM_002471.4(MYH6):c.427C>G (p.Arg143Gly)

Genes: MYH6 (myosin heavy chain 6; minus strand), LOC114827851 (VISTA enhancer hs2155; plus strand). Cytogenetic location: 14q11.2.
Variant type: single nucleotide variant.
Coding change: c.427C>G on transcript NM_002471.4 (MANE Select); coding-DNA position 427, C replaced by G.
Protein change: p.Arg143Gly; replaces arginine 143 with glycine.
Molecular consequence: missense variant.
Genome position (GRCh38, 1-based): chr14:23,405,298, G>C on the plus strand (C>G on the coding strand, the complement: MYH6 is on the minus strand). VCF-style: chr14-23405298-G-C. GRCh37 (hg19) VCF-style: chr14-23874507-G-C.
Other names: short protein forms R143G.
Identifiers: ClinVar variation 2562394 (VCV002562394.3), dbSNP rs2277473, ClinGen allele CA7116167.
Genomic context (GRCh38, chr14:23,405,298, plus strand): 5'-GATAGGCGTTGTCGGAGATGGAGAAGATGTGGGGCGGGGCCTCACTCCTCTTCTTGCCCC[G>C]GTAGGCGGCCACCACCTCGGCATTGTACACCGGCAGCCACTTGTAGGGGTTGACAGTGAC-3'
Protein context (NP_002462.2, residues 133-153): VYNAEVVAAY[Arg143Gly]GKKRSEAPPH